The following is an entry in ClinVar:

NM_001034116.2(EIF2B4):c.263G>A (p.Arg88Gln)

Gene: EIF2B4 (eukaryotic translation initiation factor 2B subunit delta; minus strand). Cytogenetic location: 2p23.3.
Variant type: single nucleotide variant.
Coding change: c.263G>A on transcript NM_001034116.2 (MANE Select); coding-DNA position 263, G replaced by A.
Protein change: p.Arg88Gln; replaces arginine 88 with glutamine.
Molecular consequence: missense variant. On other transcripts: 5 prime UTR variant (2).
Genome position (GRCh38, 1-based): chr2:27,369,161, C>T on the plus strand (G>A on the coding strand, the complement: EIF2B4 is on the minus strand). VCF-style: chr2-27369161-C-T. GRCh37 (hg19) VCF-style: chr2-27592028-C-T.
Other names: c.326G>A, p.Arg109Gln (NM_001318965.2); c.218G>A, p.Arg73Gln (NM_001318966.2); c.170G>A, p.Arg57Gln (NM_001318967.2); c.-253G>A (NM_001318968.2); c.-330G>A (NM_001318969.2); c.260G>A, p.Arg87Gln (NM_015636.4); c.323G>A, p.Arg108Gln (NM_172195.4); short protein forms R88Q, R108Q, R73Q, R57Q, R87Q, R109Q.
Identifiers: ClinVar variation 1911094 (VCV001911094.2), dbSNP rs146262118, ClinGen allele CA1576954.
Genomic context (GRCh38, chr2:27,369,161, plus strand): 5'-TGCTTGGCTCGACGCTCAGCCCGAAGTTCGGCCTTACTCCGACCAGCTGGAACTTTCTCC[C>T]GAGGAGTGCCCAACTGAATGCCCGATTCTGGCAGTTCTCTGGTTGGGCCTACTAAAAGCA-3'
Protein context (NP_001029288.1, residues 78-98): PESGIQLGTP[Arg88Gln]EKVPAGRSKA

ClinVar aggregate classification (germline): Uncertain significance (1 of 4 stars; one submission).

Allele frequency attached by ClinVar (database versions not stated): gnomAD 0.00003; ExAC 0.00004; ESP Exome Variant Server 0.00008.

Submission:

Labcorp Genetics (formerly Invitae), Labcorp
Classification: Uncertain significance. Last evaluated: 2022-01-03. Review status: criteria provided, single submitter. Criteria: Invitae Variant Classification Sherloc (09022015). Collection method: clinical testing. Allele origin: germline.
Comment: This sequence change replaces arginine, which is basic and polar, with glutamine, which is neutral and polar, at codon 87 of the EIF2B4 protein (p.Arg87Gln). This variant is present in population databases (rs146262118, gnomAD 0.01%). This variant has not been reported in the literature in individuals affected with EIF2B4-related conditions. Algorithms developed to predict the effect of missense changes on protein structure and function (SIFT, PolyPhen-2, Align-GVGD) all suggest that this variant is likely to be tolerated. Algorithms developed to predict the effect of sequence changes on RNA splicing suggest that this variant may create or strengthen a splice site. In summary, the available evidence is currently insufficient to determine the role of this variant in disease. Therefore, it has been classified as a Variant of Uncertain Significance.